The following is an entry in ClinVar:

ClinVar aggregate classification (germline): Uncertain significance (1 of 4 stars; one submission).

Conditions:
Familial adenomatous polyposis 1 (FAP1). Also called: POLYPOSIS, ADENOMATOUS INTESTINAL; FAMILIAL ADENOMATOUS POLYPOSIS 1, ATTENUATED. Identifiers: MedGen C2713442, MONDO:0021056, OMIM 175100. Disease mechanism: loss of function.

Submission:

Labcorp Genetics (formerly Invitae), Labcorp
Classification: Uncertain significance for Familial adenomatous polyposis 1. Last evaluated: 2024-04-16. Review status: criteria provided, single submitter. Criteria: Invitae Variant Classification Sherloc (09022015). Collection method: clinical testing. Allele origin: germline.
Comment: This sequence change replaces threonine, which is neutral and polar, with proline, which is neutral and non-polar, at codon 2514 of the APC protein (p.Thr2514Pro). This variant is not present in population databases (gnomAD no frequency). This variant has not been reported in the literature in individuals affected with APC-related conditions. ClinVar contains an entry for this variant (Variation ID: 575015). Advanced modeling of protein sequence and biophysical properties (such as structural, functional, and spatial information, amino acid conservation, physicochemical variation, residue mobility, and thermodynamic stability) performed at Invitae indicates that this missense variant is not expected to disrupt APC protein function with a negative predictive value of 95%. In summary, the available evidence is currently insufficient to determine the role of this variant in disease. Therefore, it has been classified as a Variant of Uncertain Significance.

NM_000038.6(APC):c.7540A>C (p.Thr2514Pro)

Gene: APC (APC regulator of Wnt signaling pathway; plus strand). Cytogenetic location: 5q22.2.
Variant type: single nucleotide variant.
Coding change: c.7540A>C on transcript NM_000038.6 (MANE Select); coding-DNA position 7540, A replaced by C.
Protein change: p.Thr2514Pro; replaces threonine 2514 with proline.
Molecular consequence: missense variant.
Genome position (GRCh38, 1-based): chr5:112,843,134, A>C. VCF-style: chr5-112843134-A-C. GRCh37 (hg19) VCF-style: chr5-112178831-A-C.
Other names: c.7540A>C, p.Thr2514Pro (NM_001127510.3, NM_001354895.2); c.7486A>C, p.Thr2496Pro (NM_001127511.3); c.7594A>C, p.Thr2532Pro (NM_001354896.2); c.7570A>C, p.Thr2524Pro (NM_001354897.2); c.7465A>C, p.Thr2489Pro (NM_001354898.2); c.7456A>C, p.Thr2486Pro (NM_001354899.2); c.7417A>C, p.Thr2473Pro (NM_001354900.2); c.7363A>C, p.Thr2455Pro (NM_001354901.2); and 5 more; short protein forms T2496P, T2514P, T2455P, T2354P, T2388P, T2423P, T2473P, T2486P.
Identifiers: ClinVar variation 575015 (VCV000575015.10), dbSNP rs545125246, ClinGen allele CA16037720.